The following is an entry in ClinVar:

ClinVar aggregate classification (germline): Likely pathogenic. Review status: criteria provided, single submitter (1 of 4 stars). 3 submissions from 3 submitters: Likely pathogenic (1). 2 of the submissions do not count toward it. Last evaluated 2025-08-26.

Conditions:
PMM2-congenital disorder of glycosylation. Also called: CDG Ia; JAEKEN SYNDROME; PHOSPHOMANNOMUTASE 2 DEFICIENCY; CARBOHYDRATE-DEFICIENT GLYCOPROTEIN SYNDROME, TYPE Ia; PMM2-CDG; Congenital disorder of glycosylation, type Ia. Identifiers: Orphanet 79318, MedGen C0349653, MONDO:0008907, OMIM 212065.

gnomAD v4.1: 25 of 1,605,426 alleles (0.0016%); highest among the groups gnomAD compares: Non-Finnish European, 0.002%; no homozygotes.

Submissions (3):

Natera, Inc.
Classification: Likely pathogenic for Congenital disorder of glycosylation type 1a. Last evaluated: 2025-08-26. Review status: criteria provided, single submitter. Criteria: Natera Variant Classification Schema (03/2026). Collection method: clinical testing. Allele origin: germline.
Comment: The c.61C>G variant in PMM2 is a missense variant predicted to cause substitution of arginine to glycine at amino acid 21. This variant is rare in the general population with a frequency below the threshold expected for the associated phenotype(s). This variant has been observed in one or more individuals affected with the associated recessive disease, as either homozygous or compound heterozygous with a second variant (PMID: 32635232, 23430905). A different variant at the same position has been determined to be Pathogenic or Likely Pathogenic. Computational prediction algorithms indicate this variant is likely to affect gene or protein function. Given the available evidence, this variant is classified as Likely Pathogenic.

Clinical Genetics DNA and cytogenetics Diagnostics Lab, Erasmus MC, Erasmus Medical Center
Classification: Pathogenic. Review status: no assertion criteria provided. Collection method: clinical testing. Allele origin: germline. Affected: yes. Study: VKGL Data-share Consensus. Not counted in ClinVar's aggregate classification.

Genome Diagnostics Laboratory, University Medical Center Utrecht
Classification: Pathogenic. Review status: no assertion criteria provided. Collection method: clinical testing. Allele origin: germline. Affected: yes. Study: VKGL Data-share Consensus. Not counted in ClinVar's aggregate classification.

Literature cited by the submitters: PubMed 32635232 (cited by Natera, Inc.); PubMed 23430905 (cited by Natera, Inc.).

NM_000303.3(PMM2):c.61C>G (p.Arg21Gly)

Gene: PMM2 (phosphomannomutase 2; plus strand). Cytogenetic location: 16p13.2.
Variant type: single nucleotide variant.
Coding change: c.61C>G on transcript NM_000303.3 (MANE Select); coding-DNA position 61, C replaced by G.
Protein change: p.Arg21Gly; replaces arginine 21 with glycine.
Molecular consequence: missense variant.
Genome position (GRCh38, 1-based): chr16:8,797,943, C>G. VCF-style: chr16-8797943-C-G. GRCh37 (hg19) VCF-style: chr16-8891800-C-G.
Other names: c.61C>G (NM_000303.2); short protein forms R21G.
Identifiers: ClinVar variation 1284906 (VCV001284906.6), dbSNP rs758340382, ClinGen allele CA7893860.
Genomic context (GRCh38, chr16:8,797,943, plus strand): 5'-ATGGCAGCGCCTGGCCCAGCGCTCTGCCTCTTCGACGTGGATGGGACCCTCACCGCCCCG[C>G]GGCAGGTAAGTGGCGGCCGGCGGGCTGCTGGCAGCCGACGCGGAGCCCGTGCTGTTCCCA-3'
Protein context (NP_000294.1, residues 11-31): FDVDGTLTAP[Arg21Gly]QKITKEMDDF